The following is an entry in ClinVar:

NM_018723.4(RBFOX1):c.1162C>T (p.Arg388Ter)

Gene: RBFOX1 (RNA binding fox-1 homolog 1; plus strand). Cytogenetic location: 16p13.3.
Variant type: single nucleotide variant.
Coding change: c.1162C>T on transcript NM_018723.4 (MANE Select); coding-DNA position 1162, C replaced by T.
Protein change: p.Arg388Ter; replaces arginine 388 with a stop codon.
Molecular consequence: nonsense. On other transcripts: 3 prime UTR variant (2).
Genome position (GRCh38, 1-based): chr16:7,710,713, C>T. VCF-style: chr16-7710713-C-T. GRCh37 (hg19) VCF-style: chr16-7760715-C-T.
Other names: c.1081C>T, p.Arg361Ter (NM_001142333.2); c.1162C>T, p.Arg388Ter (NM_001142334.2); c.*90C>T (NM_001364800.2, NM_145893.3); c.1225C>T, p.Arg409Ter (NM_145891.3); c.1147C>T, p.Arg383Ter (NM_145892.3); short protein forms R361*, R388*, R409*, R383*.
Identifiers: ClinVar variation 1400893 (VCV001400893.6), dbSNP rs780406377, ClinGen allele CA394796225.

ClinVar aggregate classification (germline): Uncertain significance (1 of 4 stars; one submission).

Conditions:
Idiopathic generalized epilepsy. Also called: Generalised epilepsy; EIG. Identifiers: MedGen C0270850, MONDO:0005579, OMIM 600669.

Submission:

Labcorp Genetics (formerly Invitae), Labcorp
Classification: Uncertain significance for Idiopathic generalized epilepsy. Last evaluated: 2024-06-25. Review status: criteria provided, single submitter. Criteria: Invitae Variant Classification Sherloc (09022015). Collection method: clinical testing. Allele origin: germline.
Comment: This sequence change creates a premature translational stop signal (p.Arg409*) in the RBFOX1 gene. While this is not anticipated to result in nonsense mediated decay, it is expected to disrupt the last 10 amino acid(s) of the RBFOX1 protein. This variant is not present in population databases (gnomAD no frequency). This variant has not been reported in the literature in individuals affected with RBFOX1-related conditions. ClinVar contains an entry for this variant (Variation ID: 1400893). Experimental studies and prediction algorithms are not available or were not evaluated, and the functional significance of this variant is currently unknown. In summary, the available evidence is currently insufficient to determine the role of this variant in disease. Therefore, it has been classified as a Variant of Uncertain Significance.